The following is an entry in ClinVar:

ClinVar aggregate classification (germline): Pathogenic (1 of 4 stars; one submission).

Conditions:
Sandhoff disease. Also called: HEXOSAMINIDASES A AND B DEFICIENCY; Beta-hexosaminidase-beta-subunit deficiency; GM2 gangliosidosis, type 2; Total hexosaminidase deficiency; Sandhoff-Jatzkewitz-Pilz disease; GM2-GANGLIOSIDOSIS, TYPE II. Identifiers: Orphanet 796, MedGen C0036161, MONDO:0010006, OMIM 268800.

Submission:

Myriad Genetics, Inc.
Classification: Pathogenic for Sandhoff disease. Last evaluated: 2024-11-12. Review status: criteria provided, single submitter. Criteria: Myriad Autosomal Dominant, Autosomal Recessive and X-Linked Classification Criteria (2023). Collection method: clinical testing. Allele origin: unknown.
Comment: NM_000521.3(HEXB):c.1476T>G(Y492*) is expected to be pathogenic in the context of Sandhoff disease. This variant is predicted to lead to an abnormal or absent protein product due to the creation of a premature termination codon in HEXB, a gene where loss-of-function variants are known to be pathogenic. Please note: this variant was assessed in the context of healthy population screening.

NM_000521.4(HEXB):c.1476T>G (p.Tyr492Ter)

Gene: HEXB (hexosaminidase subunit beta; plus strand). Cytogenetic location: 5q13.3.
Variant type: single nucleotide variant.
Coding change: c.1476T>G on transcript NM_000521.4 (MANE Select); coding-DNA position 1476, T replaced by G.
Protein change: p.Tyr492Ter; replaces tyrosine 492 with a stop codon.
Molecular consequence: nonsense.
Genome position (GRCh38, 1-based): chr5:74,720,486, T>G. VCF-style: chr5-74720486-T-G. GRCh37 (hg19) VCF-style: chr5-74016311-T-G.
Other names: c.801T>G, p.Tyr267Ter (NM_001292004.2); short protein forms Y267*, Y492*.
Identifiers: ClinVar variation 5013743 (VCV005013743.1).
Genomic context (GRCh38, chr5:74,720,486, plus strand): 5'-AGGTACTCAGAAACAGAAACAACTTTTCATTGGTGGAGAAGCTTGTCTATGGGGAGAATA[T>G]GTGGATGCAACTAACCTCACTCCAAGATTATGGTATGGGATTTACCTGATAACATTTAAG-3'